The following is an entry in ClinVar:

ClinVar aggregate classification (germline): Pathogenic (1 of 4 stars; one submission).

Conditions:
EGFR-related lung cancer (EGFR). Identifiers: MedGen CN130014.

Submission:

Labcorp Genetics (formerly Invitae), Labcorp
Classification: Pathogenic for EGFR-related lung cancer. Last evaluated: 2024-08-28. Review status: criteria provided, single submitter. Criteria: Invitae Variant Classification Sherloc (09022015). Collection method: clinical testing. Allele origin: germline.
Comment: This sequence change creates a premature translational stop signal (p.Lys294Serfs*8) in the EGFR gene. It is expected to result in an absent or disrupted protein product. Loss-of-function variants in EGFR are known to be pathogenic (PMID: 7630400, 28726809, 29899996). This variant is not present in population databases (gnomAD no frequency). This variant has not been reported in the literature in individuals affected with EGFR-related conditions. For these reasons, this variant has been classified as Pathogenic.

Literature cited by the submitters: PubMed 7630400; PubMed 28726809; PubMed 29899996.

NM_005228.5(EGFR):c.879del (p.Lys294fs)

Gene: EGFR (epidermal growth factor receptor; plus strand). Cytogenetic location: 7p11.2.
Variant type: Deletion.
Coding change: c.879del on transcript NM_005228.5 (MANE Select); coding-DNA position 879, one base deleted (G; older notation c.879delG).
Protein change: p.Lys294fs; shifts the reading frame from lysine 294.
Molecular consequence: frameshift variant. On other transcripts: intron variant (1).
Genome position (GRCh38, 1-based): chr7:55,154,142, G deleted. VCF-style (leftmost placement, unchanged base first): chr7-55154141-AG-A. GRCh37 (hg19) VCF-style: chr7-55221834-AG-A.
Other names: c.744del, p.Lys249fs (NM_001346897.2, NM_001346899.2); c.879del, p.Lys294fs (NM_001346898.2, NM_201282.2, NM_201283.2 and 1 more transcripts); c.720del, p.Lys241fs (NM_001346900.2); c.89-1688del (NM_001346941.2); short protein forms K249fs, K241fs, K294fs.
Identifiers: ClinVar variation 2866103 (VCV002866103.3), dbSNP rs2535507289, ClinGen allele CA2739265435.